The following is an entry in ClinVar:

NM_016239.4(MYO15A):c.10393C>T (p.Arg3465Trp)

Gene: MYO15A (myosin XVA; plus strand). Cytogenetic location: 17p11.2.
Variant type: single nucleotide variant.
Coding change: c.10393C>T on transcript NM_016239.4 (MANE Select); coding-DNA position 10393, C replaced by T.
Protein change: p.Arg3465Trp; replaces arginine 3465 with tryptophan.
Molecular consequence: missense variant.
Genome position (GRCh38, 1-based): chr17:18,173,823, C>T. VCF-style: chr17-18173823-C-T. GRCh37 (hg19) VCF-style: chr17-18077137-C-T.
Other names: short protein forms R3465W.
Identifiers: ClinVar variation 45743 (VCV000045743.62), dbSNP rs201028204, ClinGen allele CA136984.

ClinVar aggregate classification (germline): Conflicting classifications of pathogenicity. Review status: criteria provided, conflicting classifications (1 of 4 stars). 8 submissions from 8 submitters: Uncertain significance (1); Benign (2); Likely benign (4). 1 of the submissions does not count toward it. Last evaluated 2026-01-31.

Conditions:
MYO15A-related disorder. Also called: MYO15A-related condition.
Autosomal recessive nonsyndromic hearing loss 3. Also called: NEUROSENSORY NONSYNDROMIC RECESSIVE DEAFNESS 3. Identifiers: Orphanet 90636, MedGen C1838263, MONDO:0010860, OMIM 600316.

Allele frequency attached by ClinVar (database versions not stated): 1000 Genomes Project 0.00020; ESP Exome Variant Server 0.00041; 1000 Genomes Project 30x 0.00047; TOPMed 0.00049; gnomAD 0.00073 and 0.00079; gnomAD exomes 0.00097 and 0.00117; ExAC 0.00127.

Submissions (8):

Labcorp Genetics (formerly Invitae), Labcorp
Classification: Benign. Last evaluated: 2026-01-31. Review status: criteria provided, single submitter. Criteria: Invitae Variant Classification Sherloc (09022015). Collection method: clinical testing. Allele origin: germline.

CeGaT Center for Human Genetics Tuebingen
Classification: Likely benign. Last evaluated: 2024-12-01. Review status: criteria provided, single submitter. Criteria: CeGaT Center For Human Genetics Tuebingen Variant Classification Criteria Version 2. Collection method: clinical testing. Allele origin: germline. Affected: yes. Observed: 5 variant alleles.
Comment: MYO15A: PM5, BP4, BS2

Blueprint Genetics
Classification: Likely benign. Last evaluated: 2024-11-27. Review status: criteria provided, single submitter. Criteria: ACMG Guidelines, 2015. Collection method: clinical testing. Allele origin: germline.

Department of Pathology and Laboratory Medicine, Sinai Health System
Classification: Likely benign for Autosomal recessive nonsyndromic hearing loss 3. Last evaluated: 2023-04-17. Review status: criteria provided, single submitter. Criteria: ACMG Guidelines, 2015. Collection method: research. Allele origin: germline.

GeneDx
Classification: Benign. Last evaluated: 2019-08-08. Review status: criteria provided, single submitter. Criteria: GeneDx Variant Classification Process June 2021. Collection method: clinical testing. Allele origin: germline. Affected: yes.

Illumina Laboratory Services, Illumina
Classification: Uncertain significance for Autosomal recessive nonsyndromic hearing loss 3. Last evaluated: 2018-01-13. Review status: criteria provided, single submitter. Criteria: ICSL Variant Classification Criteria 13 December 2019. Collection method: clinical testing. Allele origin: germline.

Laboratory for Molecular Medicine, Mass General Brigham Personalized Medicine
Classification: Likely benign. Last evaluated: 2015-12-17. Review status: criteria provided, single submitter. Criteria: LMM Criteria. Collection method: clinical testing. Allele origin: germline. Observed: 4 variant alleles.
Comment: p.Arg3465Trp in Exon 65 of MYO15A: This variant is not expected to have clinical significance because it has been identified in 0.36% (60/16502) of South Asian chromosomes by the Exome Aggregation Consortium (ExAC; dbSNP rs201028204).

PreventionGenetics, part of Exact Sciences
Classification: Likely benign for MYO15A-related condition. Last evaluated: 2021-03-08. Review status: no assertion criteria provided. Collection method: clinical testing. Allele origin: germline. Not counted in ClinVar's aggregate classification.
Comment: This variant is classified as likely benign based on ACMG/AMP sequence variant interpretation guidelines (Richards et al. 2015 PMID: 25741868, with internal and published modifications).